The following is an entry in ClinVar:

ClinVar aggregate classification (germline): Conflicting classifications of pathogenicity. Review status: criteria provided, conflicting classifications (1 of 4 stars). 5 submissions from 5 submitters: Uncertain significance (4); Likely benign (1). Last evaluated 2025-08-11.

Conditions:
Hereditary cancer-predisposing syndrome. Also called: Neoplastic Syndromes, Hereditary; Hereditary Cancer Syndrome; Hereditary neoplastic syndrome; Tumor predisposition. Identifiers: Orphanet 140162, MedGen C0027672, MeSH D009386, MONDO:0015356.
Familial thoracic aortic aneurysm and aortic dissection (TAAD). Also called: Thoracic aortic aneurysms and dissections. Identifiers: Orphanet 91387, MedGen C4707243, MONDO:0019625.
Juvenile polyposis syndrome (JPS). Identifiers: Orphanet 2929, MedGen C0345893, MONDO:0017380, OMIM 174900.
Juvenile polyposis/hereditary hemorrhagic telangiectasia syndrome (JPHT). Also called: POLYPOSIS, GENERALIZED JUVENILE, WITH PULMONARY ARTERIOVENOUS MALFORMATION; TELANGIECTASIA, HEREDITARY HEMORRHAGIC, WITH JUVENILE POLYPOSIS COLI; Juvenile Polyposis Syndrome / Hereditary Hemorrhagic Telangiectasia (JPS/HHT); JP/HHT SYNDROME; JUVENILE POLYPOSIS WITH HEREDITARY HEMORRHAGIC TELANGIECTASIA. Identifiers: Orphanet 2929, MedGen C1832942, MONDO:0008278, OMIM 175050.

gnomAD v4.1: 5 of 1,614,056 alleles (0.00031%); highest among the groups gnomAD compares: Non-Finnish European, 0.00042%; no homozygotes.

Submissions (5):

Labcorp Genetics (formerly Invitae), Labcorp
Classification: Likely benign for Juvenile polyposis syndrome. Last evaluated: 2025-08-11. Review status: criteria provided, single submitter. Criteria: Invitae Variant Classification Sherloc (09022015). Collection method: clinical testing. Allele origin: germline.

Ambry Genetics
Classification: Uncertain significance for Hereditary cancer-predisposing syndrome; Familial thoracic aortic aneurysm and aortic dissection. Last evaluated: 2024-12-13. Review status: criteria provided, single submitter. Criteria: Ambry Variant Classification Scheme 2023. Collection method: clinical testing. Allele origin: germline.
Comment: The p.Q334H variant (also known as c.1002G>T), located in coding exon 8 of the SMAD4 gene, results from a G to T substitution at nucleotide position 1002. The glutamine at codon 334 is replaced by histidine, an amino acid with highly similar properties. This amino acid position is highly conserved in available vertebrate species. In addition, this alteration is predicted to be deleterious by in silico analysis. Since supporting evidence is limited at this time, the clinical significance of this alteration remains unclear.

Baylor Genetics
Classification: Uncertain significance for Juvenile polyposis/hereditary hemorrhagic telangiectasia syndrome. Last evaluated: 2024-02-13. Review status: criteria provided, single submitter. Criteria: ACMG Guidelines, 2015. Collection method: clinical testing. Allele origin: unknown.

All of Us Research Program, National Institutes of Health
Classification: Uncertain significance for Juvenile polyposis/hereditary hemorrhagic telangiectasia syndrome. Last evaluated: 2023-02-24. Review status: criteria provided, single submitter. Criteria: ACMG Guidelines, 2015. Collection method: clinical testing. Allele origin: germline. Inheritance: Autosomal dominant inheritance. Observed: 1 variant allele, 1 heterozygote.
Comment: This missense variant replaces glutamine with histidine at codon 334 of the SMAD4 protein. Computational prediction suggests that this variant may have deleterious impact on protein structure and function (internally defined REVEL score threshold >= 0.7, PMID: 27666373). To our knowledge, functional studies have not been reported for this variant. This variant has not been reported in individuals affected with SMAD4-related disorders in the literature. This variant has not been identified in the general population by the Genome Aggregation Database (gnomAD). The available evidence is insufficient to determine the role of this variant in disease conclusively. Therefore, this variant is classified as a Variant of Uncertain Significance.

This study involves interpretation of variants in research participants for the purpose of population health screening. Participant phenotype was not available at the time of variant classification. Additional details can be found in publication PMID: 35346344, PMCID: PMC8962531

GeneDx
Classification: Uncertain significance. Last evaluated: 2017-12-06. Review status: criteria provided, single submitter. Criteria: GeneDx Variant Classification (06012015). Collection method: clinical testing. Allele origin: germline. Affected: yes.
Comment: This variant is denoted SMAD4 c.1002G>T at the cDNA level, p.Gln334His (Q334H) at the protein level, and results in the change of a Glutamine to a Histidine (CAG>CAT). This variant has not, to our knowledge, been published in the literature as pathogenic or benign. SMAD4 Gln334His was not observed in large population cohorts (Lek 2016). Since Glutamine and Histidine differ in some properties, this is considered a semi-conservative amino acid substitution. SMAD4 Gln334His is located in the MH2 domain (UniProt). In-silico analyses, including protein predictors and evolutionary conservation, support a deleterious effect. Based on currently available evidence, it is unclear whether SMAD4 Gln334His is a pathogenic or benign variant. We consider it to be a variant of uncertain significance.

NM_005359.6(SMAD4):c.1002G>T (p.Gln334His)

Gene: SMAD4 (SMAD family member 4; plus strand). Cytogenetic location: 18q21.2.
Variant type: single nucleotide variant.
Coding change: c.1002G>T on transcript NM_005359.6 (MANE Select); coding-DNA position 1002, G replaced by T.
Protein change: p.Gln334His; replaces glutamine 334 with histidine.
Molecular consequence: missense variant.
Genome position (GRCh38, 1-based): chr18:51,065,469, G>T. VCF-style: chr18-51065469-G-T. GRCh37 (hg19) VCF-style: chr18-48591839-G-T.
Other names: short protein forms Q334H.
Identifiers: ClinVar variation 419077 (VCV000419077.15), dbSNP rs773598775, ClinGen allele CA16620707.